The following is an entry in ClinVar:

NM_001130965.3(SUN1):c.1124A>G (p.Gln375Arg)

Gene: SUN1 (Sad1 and UNC84 domain containing 1; plus strand). Cytogenetic location: 7p22.3.
Variant type: single nucleotide variant.
Coding change: c.1124A>G on transcript NM_001130965.3 (MANE Select); coding-DNA position 1124, A replaced by G.
Protein change: p.Gln375Arg; replaces glutamine 375 with arginine.
Molecular consequence: missense variant. On other transcripts: non-coding transcript variant (3).
Genome position (GRCh38, 1-based): chr7:853,479, A>G. VCF-style: chr7-853479-A-G. GRCh37 (hg19) VCF-style: chr7-893116-A-G.
Other names: c.1208A>G, p.Gln403Arg (NM_001367683.1); c.1283A>G, p.Gln428Arg (NM_001367684.1); c.1235A>G, p.Gln412Arg (NM_001367685.1, NM_001367664.1, NM_001367696.1); c.956A>G, p.Gln319Arg (NM_001367686.1); c.1514A>G, p.Gln505Arg (NM_001367687.1, NM_001367678.1, NM_001367699.1); c.1205A>G, p.Gln402Arg (NM_001367688.1); c.1085A>G, p.Gln362Arg (NM_001367689.1, NM_001367645.1, NM_001367667.1); c.1415A>G, p.Gln472Arg (NM_001367690.1); and 38 more; short protein forms Q137R, Q186R, Q222R, Q258R, Q272R, Q292R, Q319R, Q324R.
Identifiers: ClinVar variation 2690171 (VCV002690171.4), dbSNP rs372553774, ClinGen allele CA4112080.
Genomic context (GRCh38, chr7:853,479, plus strand): 5'-AGGCTTTTCCGTGGCATTGGATGAGTGGCGTGGAGCAGCAGGTGGCCTCTCTGTCTGGAC[A>G]GTGCCACCACCATGGTGAGAATCTCCGAGAGCTGACCACTTTGCTACAGAAGCTGCAGGC-3'
Protein context (NP_001124437.1, residues 365-385): VEQQVASLSG[Gln375Arg]CHHHGENLRE

ClinVar aggregate classification (germline): Uncertain significance. Review status: criteria provided, multiple submitters, no conflicts (2 of 4 stars). 2 submissions from 2 submitters: Uncertain significance (2). Last evaluated 2024-10-17.

Conditions:
Emery-Dreifuss muscular dystrophy (EDMD). Also called: Scapuloperoneal syndrome, X-linked (formerly); Humeroperoneal neuromuscular disease, (formerly). Identifiers: Orphanet 261, MedGen C0410189, MONDO:0016830.

Allele frequency attached by ClinVar (database versions not stated): ExAC 0.00002; gnomAD exomes 0.00002; gnomAD 0.00003; TOPMed 0.00005; ESP Exome Variant Server 0.00008.
gnomAD v4.1: 36 of 1,613,958 alleles (0.0022%); highest among the groups gnomAD compares: Middle Eastern, 0.033%; no homozygotes.

Submissions (2):

Labcorp Genetics (formerly Invitae), Labcorp
Classification: Uncertain significance for Emery-Dreifuss muscular dystrophy. Last evaluated: 2024-10-17. Review status: criteria provided, single submitter. Criteria: Invitae Variant Classification Sherloc (09022015). Collection method: clinical testing. Allele origin: germline.
Comment: This sequence change replaces glutamine, which is neutral and polar, with arginine, which is basic and polar, at codon 375 of the SUN1 protein (p.Gln375Arg). This variant is present in population databases (rs372553774, gnomAD 0.004%). This variant has not been reported in the literature in individuals affected with SUN1-related conditions. An algorithm developed to predict the effect of missense changes on protein structure and function outputs the following: PolyPhen-2: "Benign". The arginine amino acid residue is found in multiple mammalian species, which suggests that this missense change does not adversely affect protein function. In summary, the available evidence is currently insufficient to determine the role of this variant in disease. Therefore, it has been classified as a Variant of Uncertain Significance.

Revvity Omics, Revvity
Classification: Uncertain significance. Last evaluated: 2022-01-26. Review status: criteria provided, single submitter. Criteria: ACMG Guidelines, 2015. Collection method: clinical testing. Allele origin: germline.